The following is an entry in ClinVar:

ClinVar aggregate classification (germline): Uncertain significance (1 of 4 stars; one submission).

Conditions:
Developmental and epileptic encephalopathy, 36 (DEE36). Also called: Epileptic encephalopathy, early infantile, 36; Congenital disorder of glycosylation, type Is; ALG13-CDG. Identifiers: Orphanet 324422, MedGen C4317295, MONDO:0010472, OMIM 300884.

Submission:

Labcorp Genetics (formerly Invitae), Labcorp
Classification: Uncertain significance for Developmental and epileptic encephalopathy, 36. Last evaluated: 2025-02-10. Review status: criteria provided, single submitter. Criteria: Invitae Variant Classification Sherloc (09022015). Collection method: clinical testing. Allele origin: germline.
Comment: This sequence change replaces histidine, which is basic and polar, with tyrosine, which is neutral and polar, at codon 1131 of the ALG13 protein (p.His1131Tyr). This variant is not present in population databases (gnomAD no frequency). This variant has not been reported in the literature in individuals affected with ALG13-related conditions. ClinVar contains an entry for this variant (Variation ID: 2011257). Invitae Evidence Modeling of protein sequence and biophysical properties (such as structural, functional, and spatial information, amino acid conservation, physicochemical variation, residue mobility, and thermodynamic stability) has been performed for this missense variant. However, the output from this modeling did not meet the statistical confidence thresholds required to predict the impact of this variant on ALG13 protein function. In summary, the available evidence is currently insufficient to determine the role of this variant in disease. Therefore, it has been classified as a Variant of Uncertain Significance.

NM_001099922.3(ALG13):c.3391C>T (p.His1131Tyr)

Gene: ALG13 (ALG13 UDP-N-acetylglucosaminyltransferase subunit; plus strand). Cytogenetic location: Xq23.
Variant type: single nucleotide variant.
Coding change: c.3391C>T on transcript NM_001099922.3 (MANE Select); coding-DNA position 3391, C replaced by T.
Protein change: p.His1131Tyr; replaces histidine 1131 with tyrosine.
Molecular consequence: missense variant. On other transcripts: non-coding transcript variant (1).
Genome position (GRCh38, 1-based): chrX:111,759,976, C>T. VCF-style: chrX-111759976-C-T. GRCh37 (hg19) VCF-style: chrX-111003204-C-T.
Other names: c.2842C>T, p.His948Tyr (NM_001257230.2, NM_001257234.2, NM_001257237.2); c.3157C>T, p.His1053Tyr (NM_001257231.2); c.3154C>T, p.His1052Tyr (NM_001324292.2); c.2668C>T, p.His890Tyr (NM_001324293.1); short protein forms H1053Y, H1131Y, H890Y, H1052Y, H948Y.
Identifiers: ClinVar variation 2011257 (VCV002011257.4), dbSNP rs1945609377, ClinGen allele CA414293857.